The following is an entry in ClinVar:

ClinVar aggregate classification (germline): Likely benign. Review status: criteria provided, multiple submitters, no conflicts (2 of 4 stars). 2 submissions from 2 submitters: Likely benign (2). Last evaluated 2022-11-29.

Conditions:
Hereditary pheochromocytoma and paraganglioma. Also called: Hereditary Paraganglioma-Pheochromocytoma Syndromes; Hereditary paragangliomas and pheochromocytomas; Hereditary pheochromocytoma-paraganglioma. Identifiers: Orphanet 29072, MedGen C4274332, MONDO:0017366.

Allele frequency attached by ClinVar (database versions not stated): ExAC 0.00001; gnomAD 0.00001; TOPMed 0.00001; ESP Exome Variant Server 0.00015.
gnomAD v4.1: 5 of 1,614,026 alleles (0.00031%); highest among the groups gnomAD compares: Non-Finnish European, 0.00042%; no homozygotes.

Submissions (2):

All of Us Research Program, National Institutes of Health
Classification: Likely benign for Hereditary pheochromocytoma and paraganglioma. Last evaluated: 2022-11-29. Review status: criteria provided, single submitter. Criteria: ACMG Guidelines, 2015. Collection method: clinical testing. Allele origin: germline. Inheritance: Autosomal dominant inheritance. Observed: 1 variant allele, 1 heterozygote.
Comment: This study involves interpretation of variants in research participants for the purpose of population health screening. Participant phenotype was not available at the time of variant classification. Additional details can be found in publication PMID: 35346344, PMCID: PMC8962531

GeneDx
Classification: Likely benign. Last evaluated: 2017-03-20. Review status: criteria provided, single submitter. Criteria: GeneDx Variant Classification (06012015). Collection method: clinical testing. Allele origin: germline. Affected: yes.
Comment: This variant is considered likely benign or benign based on one or more of the following criteria: it is a conservative change, it occurs at a poorly conserved position in the protein, it is predicted to be benign by multiple in silico algorithms, and/or has population frequency not consistent with disease.

NM_017841.4(SDHAF2):c.-11A>G

Gene: SDHAF2 (succinate dehydrogenase complex assembly factor 2; plus strand). Cytogenetic location: 11q12.2.
Variant type: single nucleotide variant.
Coding change: c.-11A>G on transcript NM_017841.4 (MANE Select); 11 bases upstream of the start codon, A replaced by G.
Molecular consequence: 5 prime UTR variant.
Genome position (GRCh38, 1-based): chr11:61,430,136, A>G. VCF-style: chr11-61430136-A-G. GRCh37 (hg19) VCF-style: chr11-61197608-A-G.
Identifiers: ClinVar variation 507982 (VCV000507982.2), dbSNP rs374676911, ClinGen allele CA057748.